The following is an entry in ClinVar:

ClinVar aggregate classification (germline): Uncertain significance. Review status: criteria provided, multiple submitters, no conflicts (2 of 4 stars). 2 submissions from 2 submitters: Uncertain significance (2). Last evaluated 2025-03-18.

Conditions:
Inborn genetic diseases. Identifiers: MedGen C0950123, MeSH D030342.

Submissions (2):

Labcorp Genetics (formerly Invitae), Labcorp
Classification: Uncertain significance. Last evaluated: 2025-03-18. Review status: criteria provided, single submitter. Criteria: Invitae Variant Classification Sherloc (09022015). Collection method: clinical testing. Allele origin: germline.
Comment: This sequence change replaces aspartic acid, which is acidic and polar, with asparagine, which is neutral and polar, at codon 244 of the WNT1 protein (p.Asp244Asn). This variant is not present in population databases (gnomAD no frequency). This variant has not been reported in the literature in individuals affected with WNT1-related conditions. ClinVar contains an entry for this variant (Variation ID: 1948745). Invitae Evidence Modeling of protein sequence and biophysical properties (such as structural, functional, and spatial information, amino acid conservation, physicochemical variation, residue mobility, and thermodynamic stability) indicates that this missense variant is not expected to disrupt WNT1 protein function with a negative predictive value of 80%. In summary, the available evidence is currently insufficient to determine the role of this variant in disease. Therefore, it has been classified as a Variant of Uncertain Significance.

Ambry Genetics
Classification: Uncertain significance for Inborn genetic diseases. Last evaluated: 2022-06-21. Review status: criteria provided, single submitter. Criteria: Ambry Variant Classification Scheme 2023. Collection method: clinical testing. Allele origin: germline.

NM_005430.4(WNT1):c.730G>A (p.Asp244Asn)

Gene: WNT1 (Wnt family member 1; plus strand). Cytogenetic location: 12q13.12.
Variant type: single nucleotide variant.
Coding change: c.730G>A on transcript NM_005430.4 (MANE Select); coding-DNA position 730, G replaced by A.
Protein change: p.Asp244Asn; replaces aspartic acid 244 with asparagine.
Molecular consequence: missense variant.
Genome position (GRCh38, 1-based): chr12:48,981,257, G>A. VCF-style: chr12-48981257-G-A. GRCh37 (hg19) VCF-style: chr12-49375040-G-A.
Other names: short protein forms D244N.
Identifiers: ClinVar variation 1948745 (VCV001948745.6), dbSNP rs1941009207, ClinGen allele CA384634586.